The following is an entry in ClinVar:

ClinVar aggregate classification (germline): Benign/Likely benign. Review status: criteria provided, multiple submitters, no conflicts (2 of 4 stars). 2 submissions from 2 submitters: Benign (1); Likely benign (1). Last evaluated 2026-04-24.

Conditions:
Colorectal cancer, susceptibility to, 1. Also called: COLORECTAL ADENOMA AND CANCER, SUSCEPTIBILITY TO; COLORECTAL CANCER, SUSCEPTIBILITY TO, ON CHROMOSOME 9. Identifiers: MedGen C1837315, MONDO:0012132, OMIM 608812.

Submissions (2):

Myriad Genetics, Inc.
Classification: Benign for Colorectal cancer, susceptibility to, 1. Last evaluated: 2026-04-24. Review status: criteria provided, single submitter. Criteria: Myriad Autosomal Dominant, Autosomal Recessive and X-Linked Classification Criteria (2023). Collection method: clinical testing. Allele origin: unknown.
Comment: This variant is considered benign. This variant is a silent/synonymous amino acid change and it is not expected to impact splicing.

Ambry Genetics
Classification: Likely benign. Last evaluated: 2025-08-05. Review status: criteria provided, single submitter. Criteria: Ambry Variant Classification Scheme 2023. Collection method: clinical testing. Allele origin: germline.

NM_024642.5(GALNT12):c.903C>A (p.Pro301=)

Gene: GALNT12 (polypeptide N-acetylgalactosaminyltransferase 12; plus strand). Cytogenetic location: 9q22.33.
Variant type: single nucleotide variant.
Coding change: c.903C>A on transcript NM_024642.5 (MANE Select); coding-DNA position 903, C replaced by A.
Protein change: p.Pro301=; no amino-acid change (proline 301 retained).
Molecular consequence: synonymous variant.
Genome position (GRCh38, 1-based): chr9:98,831,943, C>A. VCF-style: chr9-98831943-C-A. GRCh37 (hg19) VCF-style: chr9-101594225-C-A.
Identifiers: ClinVar variation 4261494 (VCV004261494.2).